The following is an entry in ClinVar:

NM_006494.4(ERF):c.320A>G (p.Asn107Ser)

Gene: ERF (ETS2 repressor factor; minus strand). Cytogenetic location: 19q13.2.
Variant type: single nucleotide variant.
Coding change: c.320A>G on transcript NM_006494.4 (MANE Select); coding-DNA position 320, A replaced by G.
Protein change: p.Asn107Ser; replaces asparagine 107 with serine.
Molecular consequence: missense variant. On other transcripts: 5 prime UTR variant (1).
Genome position (GRCh38, 1-based): chr19:42,249,880, T>C on the plus strand (A>G on the coding strand, the complement: ERF is on the minus strand). VCF-style: chr19-42249880-T-C. GRCh37 (hg19) VCF-style: chr19-42754032-T-C.
Other names: c.95A>G, p.Asn32Ser (NM_001301035.2, NM_001308402.2, NM_001312656.2 and 1 more transcripts); c.-488A>G (NM_001440421.1); short protein forms N107S, N32S.
Identifiers: ClinVar variation 4685410 (VCV004685410.1).

ClinVar aggregate classification (germline): Uncertain significance (1 of 4 stars; one submission).

gnomAD v4.1: 1 of 1,614,108 alleles (0.000062%); no homozygotes.

Submission:

GeneDx
Classification: Uncertain significance. Last evaluated: 2025-07-08. Review status: criteria provided, single submitter. Criteria: GeneDx Variant Classification Process June 2021. Collection method: clinical testing. Allele origin: germline. Affected: yes.
Comment: Not observed at significant frequency in large population cohorts (gnomAD); In silico analysis supports that this missense variant has a deleterious effect on protein structure/function; Has not been previously published as pathogenic or benign to our knowledge